The following is an entry in ClinVar:

ClinVar aggregate classification (germline): Pathogenic. Review status: criteria provided, multiple submitters, no conflicts (2 of 4 stars). 7 submissions from 7 submitters: Pathogenic (5). 2 of the submissions do not count toward it. Last evaluated 2025-06-29.

Conditions:
TRPS1-related disorder. Also called: TRPS1-related condition.
Inborn genetic diseases. Identifiers: MedGen C0950123, MeSH D030342.
Trichorhinophalangeal dysplasia type I (TRPS1). Also called: TRPS I; TRICHORHINOPHALANGEAL SYNDROME, TYPE I. Identifiers: Orphanet 77258, MedGen C0432233, MONDO:0008596, OMIM 190350.
Trichorhinophalangeal syndrome, type III (TRPS3). Also called: SUGIO-KAJII SYNDROME. Identifiers: Orphanet 77258, MedGen C1860823, OMIM 190351, MONDO:0008597.

Submissions (7):

Labcorp Genetics (formerly Invitae), Labcorp
Classification: Pathogenic for Trichorhinophalangeal syndrome, type III; Trichorhinophalangeal dysplasia type I. Last evaluated: 2025-06-29. Review status: criteria provided, single submitter. Criteria: Invitae Variant Classification Sherloc (09022015). Collection method: clinical testing. Allele origin: germline.
Comment: This sequence change creates a premature translational stop signal (p.Arg624*) in the TRPS1 gene. It is expected to result in an absent or disrupted protein product. Loss-of-function variants in TRPS1 are known to be pathogenic (PMID: 11112658). This variant is not present in population databases (gnomAD no frequency). This premature translational stop signal has been observed in individuals with clinical features of trichorhinophalangeal syndrome (PMID: 10615131, 30914275). It has also been observed to segregate with disease in related individuals. ClinVar contains an entry for this variant (Variation ID: 5570). For these reasons, this variant has been classified as Pathogenic.

3billion
Classification: Pathogenic for TRPS1-related disorder. Last evaluated: 2024-11-15. Review status: criteria provided, single submitter. Criteria: ACMG Guidelines, 2015. Collection method: clinical testing. Allele origin: germline. Affected: yes.
Comment: The variant is not observed in the gnomAD v4.1.0 dataset. Predicted Consequence/Location: Stop-gained (nonsense): predicted to result in a loss or disruption of normal protein function through nonsense-mediated decay (NMD) or protein truncation. Multiple pathogenic variants are reported downstream of the variant. The variant has been reported at least twice as pathogenic without evidence for the classification (ClinVar ID: VCV000005570 /PMID: 10615131). Therefore, this variant is classified as Pathogenic according to the recommendation of ACMG/AMP guideline.

GeneDx
Classification: Pathogenic. Last evaluated: 2024-03-27. Review status: criteria provided, single submitter. Criteria: GeneDx Variant Classification Process June 2021. Collection method: clinical testing. Allele origin: germline. Affected: yes.
Comment: Nonsense variant predicted to result in protein truncation or nonsense mediated decay in a gene for which loss of function is a known mechanism of disease; Not observed at significant frequency in large population cohorts (gnomAD); Also known as R611X and R615X; This variant is associated with the following publications: (PMID: 25525159, 25792522, 10615131, 30914275, 32347565, 15616909)

Ambry Genetics
Classification: Pathogenic for Inborn genetic diseases. Last evaluated: 2023-03-31. Review status: criteria provided, single submitter. Criteria: Ambry Variant Classification Scheme 2023. Collection method: clinical testing. Allele origin: germline.
Comment: The c.1870C>T (p.R624*) alteration, located in exon 4 (coding exon 3) of the TRPS1 gene, consists of a C to T substitution at nucleotide position 1870. This changes the amino acid from an arginine (R) to a stop codon at amino acid position 624. This alteration is expected to result in loss of function by premature protein truncation or nonsense-mediated mRNA decay. This variant was not reported in population-based cohorts in the Genome Aggregation Database (gnomAD). This mutation (also designated as p.R611* in the literature) has been identified in several individuals with trichorhinophalangeal syndrome and segregated with disease in one family (Momeni, 2000; Maas, 2015). In another family, the proband presented with brachydactyly, short stature, bulbous nose, long flat philtrum, and thin upper lip; Based on the available evidence, this alteration is classified as pathogenic.

Blueprint Genetics
Classification: Pathogenic for TRPS1-related disorders. Last evaluated: 2022-11-17. Review status: criteria provided, single submitter. Criteria: ACMG Guidelines, 2015. Collection method: clinical testing. Allele origin: germline. Affected: yes. Observed: 3 variant alleles.

OMIM
Classification: Pathogenic for TRICHORHINOPHALANGEAL SYNDROME, TYPE I. Last evaluated: 2000-01-01. Review status: no assertion criteria provided. Collection method: literature only. Allele origin: germline. Not counted in ClinVar's aggregate classification.

GeneReviews
No classification provided. Condition: Trichorhinophalangeal dysplasia type I. Review status: no classification provided. Collection method: literature only. Allele origin: germline. Not counted in ClinVar's aggregate classification.

Literature cited by the submitters: PubMed 11112658 (cited by Labcorp Genetics (formerly Invitae), Labcorp); PubMed 10615131 (cited by 4 submitters); PubMed 30914275 (cited by Labcorp Genetics (formerly Invitae), Labcorp and Ambry Genetics); PubMed 25792522 (cited by Ambry Genetics and GeneReviews); NCBI Bookshelf NBK425926 (cited by GeneReviews).

NM_014112.5(TRPS1):c.1870C>T (p.Arg624Ter)

Gene: TRPS1 (transcriptional repressor GATA binding 1; minus strand). Cytogenetic location: 8q23.3.
Variant type: single nucleotide variant.
Coding change: c.1870C>T on transcript NM_014112.5 (MANE Select); coding-DNA position 1870, C replaced by T.
Protein change: p.Arg624Ter; replaces arginine 624 with a stop codon.
Molecular consequence: nonsense.
Genome position (GRCh38, 1-based): chr8:115,604,099, G>A on the plus strand (C>T on the coding strand, the complement: TRPS1 is on the minus strand). VCF-style: chr8-115604099-G-A. GRCh37 (hg19) VCF-style: chr8-116616326-G-A.
Other names: c.1843C>T, p.Arg615Ter (NM_001282902.3); c.1849C>T, p.Arg617Ter (NM_001282903.3); c.1831C>T, p.Arg611Ter (NM_001330599.2); short protein forms R624*, R615*, R617*.
Identifiers: ClinVar variation 5570 (VCV000005570.19), dbSNP rs121908431, ClinGen allele CA117606.